The following is an entry in ClinVar:

ClinVar aggregate classification (germline): Pathogenic (0 of 4 stars; one submission).

Submission:

GenMed Metabolism Lab
Classification: Pathogenic. Review status: no assertion criteria provided. Collection method: not provided. Allele origin: unknown.
ClinVar note: Converted during submission from pathogenic to Pathogenic.

NM_000531.6(OTC):c.905A>T (p.His302Leu)

Gene: OTC (ornithine transcarbamylase; plus strand). Cytogenetic location: Xp11.4.
Variant type: single nucleotide variant.
Coding change: c.905A>T on transcript NM_000531.6 (MANE Select); coding-DNA position 905, A replaced by T.
Protein change: p.His302Leu; replaces histidine 302 with leucine.
Molecular consequence: missense variant.
Genome position (GRCh38, 1-based): chrX:38,411,899, A>T. VCF-style: chrX-38411899-A-T. GRCh37 (hg19) VCF-style: chrX-38271152-A-T.
Other names: short protein forms H302L.
Identifiers: ClinVar variation 97353 (VCV000097353.2), dbSNP rs67993095, ClinGen allele CA224827.